The following is an entry in ClinVar:

ClinVar aggregate classification (germline): Uncertain significance (1 of 4 stars; one submission).

Conditions:
Hypertrophic cardiomyopathy. Also called: HYPERTROPHIC MYOCARDIOPATHY. Identifiers: Orphanet 217569, MedGen C0007194, MeSH D002312, MONDO:0005045, HP:0001639.

Submission:

Labcorp Genetics (formerly Invitae), Labcorp
Classification: Uncertain significance for Hypertrophic cardiomyopathy. Last evaluated: 2018-07-27. Review status: criteria provided, single submitter. Criteria: Invitae Variant Classification Sherloc (09022015). Collection method: clinical testing. Allele origin: germline.
Comment: This variant is not present in population databases (ExAC no frequency). This variant has not been reported in the literature in individuals with TPM1-related disease. Algorithms developed to predict the effect of missense changes on protein structure and function (SIFT, PolyPhen-2, Align-GVGD) all suggest that this variant is likely to be tolerated, but these predictions have not been confirmed by published functional studies and their clinical significance is uncertain. In summary, the available evidence is currently insufficient to determine the role of this variant in disease. Therefore, it has been classified as a Variant of Uncertain Significance. This sequence change replaces alanine with valine at codon 269 of the TPM1 protein (p.Ala269Val). The alanine residue is weakly conserved and there is a small physicochemical difference between alanine and valine.

NM_001018005.2(TPM1):c.806C>T (p.Ala269Val)

Gene: TPM1 (tropomyosin 1; plus strand). Cytogenetic location: 15q22.2.
Variant type: single nucleotide variant.
Coding change: c.806C>T on transcript NM_001018005.2 (MANE Select); coding-DNA position 806, C replaced by T.
Protein change: p.Ala269Val; replaces alanine 269 with valine.
Molecular consequence: missense variant. On other transcripts: intron variant (12).
Genome position (GRCh38, 1-based): chr15:63,064,097, C>T. VCF-style: chr15-63064097-C-T. GRCh37 (hg19) VCF-style: chr15-63356296-C-T.
Other names: c.806C>T, p.Ala269Val (NM_000366.6, NM_001301244.2, NM_001365779.1); c.698C>T, p.Ala233Val (NM_001330346.2, NM_001365781.2, NM_001365782.1); c.898+1452C>T (NM_001365778.1); c.772+1452C>T (NM_001018020.2, NM_001018007.2, NM_001018006.2 and 3 more transcripts); c.664+1452C>T (NM_001330351.2, NM_001330344.2, NM_001018008.2 and 2 more transcripts); short protein forms A233V, A269V.
Identifiers: ClinVar variation 659106 (VCV000659106.8), dbSNP rs1342749492, ClinGen allele CA392725138.